The following is an entry in ClinVar:

ClinVar aggregate classification (germline): Uncertain significance (1 of 4 stars; one submission).

Conditions:
Hereditary cancer-predisposing syndrome. Also called: Hereditary Cancer Syndrome; Hereditary neoplastic syndrome; Neoplastic Syndromes, Hereditary; Tumor predisposition. Identifiers: Orphanet 140162, MedGen C0027672, MeSH D009386, MONDO:0015356.

Allele frequency attached by ClinVar (database versions not stated): gnomAD exomes below 0.00001; gnomAD 0.00001.
gnomAD v4.1: 2 of 1,613,858 alleles (0.00012%); highest among the groups gnomAD compares: Non-Finnish European, 0.00017%; no homozygotes.

Submission:

Ambry Genetics
Classification: Uncertain significance for Hereditary cancer-predisposing syndrome. Last evaluated: 2020-08-05. Review status: criteria provided, single submitter. Criteria: Ambry Variant Classification Scheme 2023. Collection method: clinical testing. Allele origin: germline.
Comment: The p.N1984S variant (also known as c.5951A>G), located in coding exon 15 of the APC gene, results from an A to G substitution at nucleotide position 5951. The asparagine at codon 1984 is replaced by serine, an amino acid with highly similar properties. This amino acid position is not well conserved in available vertebrate species, and serine is the reference amino acid in other vertebrate species. In addition, in silico predictors for this gene do not accurately predict pathogenicity. Since supporting evidence is limited at this time, the clinical significance of this alteration remains unclear.

NM_000038.6(APC):c.5951A>G (p.Asn1984Ser)

Gene: APC (APC regulator of Wnt signaling pathway; plus strand). Cytogenetic location: 5q22.2.
Variant type: single nucleotide variant.
Coding change: c.5951A>G on transcript NM_000038.6 (MANE Select); coding-DNA position 5951, A replaced by G.
Protein change: p.Asn1984Ser; replaces asparagine 1984 with serine.
Molecular consequence: missense variant.
Genome position (GRCh38, 1-based): chr5:112,841,545, A>G. VCF-style: chr5-112841545-A-G. GRCh37 (hg19) VCF-style: chr5-112177242-A-G.
Other names: c.6005A>G, p.Asn2002Ser (NM_001407448.1, NM_001407449.1, NM_001354896.2 and 1 more transcripts); c.5951A>G, p.Asn1984Ser (NM_001407450.1, NM_001127510.3, NM_001354895.2); c.5930A>G, p.Asn1977Ser (NM_001407451.1); c.5921A>G, p.Asn1974Ser (NM_001407452.1); c.5774A>G, p.Asn1925Ser (NM_001407453.1, NM_001354901.2); c.5702A>G, p.Asn1901Ser (NM_001407454.1, NM_001407455.1, NM_001407456.1 and 1 more transcripts); c.5648A>G, p.Asn1883Ser (NM_001407458.1, NM_001407459.1, NM_001407460.1 and 1 more transcripts); c.5564A>G, p.Asn1855Ser (NM_001407467.1, NM_001407469.1); and 11 more; short protein forms N1824S, N1883S, N1893S, N1901S, N1943S, N1600S, N1966S, N1974S.
Identifiers: ClinVar variation 1750689 (VCV001750689.2), dbSNP rs1429831566, ClinGen allele CA16034359.